The following is an entry in ClinVar:

NM_031220.4(PITPNM3):c.1128G>A (p.Ala376=)

Gene: PITPNM3 (PITPNM family member 3; minus strand). Cytogenetic location: 17p13.2.
Variant type: single nucleotide variant.
Coding change: c.1128G>A on transcript NM_031220.4 (MANE Select); coding-DNA position 1128, G replaced by A.
Protein change: p.Ala376=; no amino-acid change (alanine 376 retained).
Molecular consequence: synonymous variant.
Genome position (GRCh38, 1-based): chr17:6,474,562, C>T on the plus strand (G>A on the coding strand, the complement: PITPNM3 is on the minus strand). VCF-style: chr17-6474562-C-T. GRCh37 (hg19) VCF-style: chr17-6377882-C-T.
Other names: c.1020G>A, p.Ala340= (NM_001165966.2).
Identifiers: ClinVar variation 324754 (VCV000324754.45), dbSNP rs146033772, ClinGen allele CA8329601.

ClinVar aggregate classification (germline): Benign/Likely benign. Review status: criteria provided, multiple submitters, no conflicts (2 of 4 stars). 8 submissions from 8 submitters: Benign (1); Likely benign (4). 3 of the submissions do not count toward it. Last evaluated 2026-09-01.

Conditions:
PITPNM3-related disorder. Also called: PITPNM3-related condition.
Cone-rod dystrophy 5 (CORD5). Identifiers: Orphanet 1872, MedGen C1832976, MONDO:0010969, OMIM 600977.

Allele frequency attached by ClinVar (database versions not stated): gnomAD exomes 0.00041 and 0.00048; TOPMed 0.00044; gnomAD 0.00053 and 0.00056; ESP Exome Variant Server 0.00062; ExAC 0.00087.
gnomAD v4.1: 663 of 1,594,160 alleles (0.042%); highest among the groups gnomAD compares: Non-Finnish European, 0.048%; 1 homozygote.

Submissions (8):

CeGaT Center for Human Genetics Tuebingen
Classification: Likely benign. Last evaluated: 2026-09-01. Review status: criteria provided, single submitter. Criteria: CeGaT Center For Human Genetics Tuebingen Variant Classification Criteria Version 2. Collection method: clinical testing. Allele origin: germline. Affected: yes. Observed: 2 variant alleles.
Comment: PITPNM3: BP4, BP7

Labcorp Genetics (formerly Invitae), Labcorp
Classification: Likely benign. Last evaluated: 2026-01-18. Review status: criteria provided, single submitter. Criteria: Invitae Variant Classification Sherloc (09022015). Collection method: clinical testing. Allele origin: germline.

Blueprint Genetics
Classification: Likely benign. Last evaluated: 2024-11-22. Review status: criteria provided, single submitter. Criteria: ACMG Guidelines, 2015. Collection method: clinical testing. Allele origin: germline.

Illumina Laboratory Services, Illumina
Classification: Benign for Cone-rod dystrophy 5. Last evaluated: 2018-01-13. Review status: criteria provided, single submitter. Criteria: ICSL Variant Classification Criteria 13 December 2019. Collection method: clinical testing. Allele origin: germline.
Comment: This variant was observed in the ICSL laboratory as part of a predisposition screen in an ostensibly healthy population. It had not been previously curated by ICSL or reported in the Human Gene Mutation Database (HGMD: prior to June 1st, 2018), and was therefore a candidate for classification through an automated scoring system. Utilizing variant allele frequency, disease prevalence and penetrance estimates, and inheritance mode, an automated score was calculated to assess if this variant is too frequent to cause the disease. Based on the score and internal cut-off values, a variant classified as benign is not then subjected to further curation. The score for this variant resulted in a classification of benign for this disease.

Breakthrough Genomics
Classification: Likely benign. Review status: criteria provided, single submitter. Criteria: ACMG Guidelines, 2015. Collection method: not provided. Allele origin: germline. Inheritance: Autosomal dominant inheritance. Affected: yes.

PreventionGenetics, part of Exact Sciences
Classification: Likely benign for PITPNM3-related condition. Last evaluated: 2019-06-13. Review status: no assertion criteria provided. Collection method: clinical testing. Allele origin: germline. Not counted in ClinVar's aggregate classification.
Comment: This variant is classified as likely benign based on ACMG/AMP sequence variant interpretation guidelines (Richards et al. 2015 PMID: 25741868, with internal and published modifications).

Clinical Genetics DNA and cytogenetics Diagnostics Lab, Erasmus MC, Erasmus Medical Center
Classification: Likely benign. Review status: no assertion criteria provided. Collection method: clinical testing. Allele origin: germline. Affected: yes. Study: VKGL Data-share Consensus. Not counted in ClinVar's aggregate classification.

Clinical Genetics, Academic Medical Center
Classification: Likely benign. Review status: no assertion criteria provided. Collection method: clinical testing. Allele origin: germline. Affected: yes. Study: VKGL Data-share Consensus. Not counted in ClinVar's aggregate classification.